The following is an entry in ClinVar:

ClinVar aggregate classification (germline): Uncertain significance. Review status: criteria provided, multiple submitters, no conflicts (2 of 4 stars). 2 submissions from 2 submitters: Uncertain significance (2). Last evaluated 2025-10-13.

Allele frequency attached by ClinVar (database versions not stated): TOPMed 0.00001; gnomAD exomes 0.00002; ExAC 0.00005.
gnomAD v4.1: 5 of 1,526,430 alleles (0.00033%); highest among the groups gnomAD compares: Admixed American, 0.0061%; no homozygotes.

Submissions (2):

Labcorp Genetics (formerly Invitae), Labcorp
Classification: Uncertain significance. Last evaluated: 2025-10-13. Review status: criteria provided, single submitter. Criteria: Invitae Variant Classification Sherloc (09022015). Collection method: clinical testing. Allele origin: germline.
Comment: This sequence change replaces arginine, which is basic and polar, with glycine, which is neutral and non-polar, at codon 488 of the FSCN2 protein (p.Arg488Gly). This variant is present in population databases (rs758903366, gnomAD 0.02%). This variant has not been reported in the literature in individuals affected with FSCN2-related conditions. ClinVar contains an entry for this variant (Variation ID: 971500). An algorithm developed to predict the effect of missense changes on protein structure and function outputs the following: PolyPhen-2: "Benign". The glycine amino acid residue is found in multiple mammalian species, which suggests that this missense change does not adversely affect protein function. In summary, the available evidence is currently insufficient to determine the role of this variant in disease. Therefore, it has been classified as a Variant of Uncertain Significance.

Ambry Genetics
Classification: Uncertain significance. Last evaluated: 2025-04-10. Review status: criteria provided, single submitter. Criteria: Ambry Variant Classification Scheme 2023. Collection method: clinical testing. Allele origin: germline.

NM_012418.4(FSCN2):c.1390C>G (p.Arg464Gly)

Gene: FSCN2 (fascin actin-bundling protein 2, retinal; plus strand). Cytogenetic location: 17q25.3.
Variant type: single nucleotide variant.
Coding change: c.1390C>G on transcript NM_012418.4 (MANE Select); coding-DNA position 1390, C replaced by G.
Protein change: p.Arg464Gly; replaces arginine 464 with glycine.
Molecular consequence: missense variant.
Genome position (GRCh38, 1-based): chr17:81,536,991, C>G. VCF-style: chr17-81536991-C-G. GRCh37 (hg19) VCF-style: chr17-79504017-C-G.
Other names: c.1462C>G, p.Arg488Gly (NM_001077182.3); short protein forms R464G, R488G.
Identifiers: ClinVar variation 971500 (VCV000971500.9), dbSNP rs758903366, ClinGen allele CA8837131.